The following is an entry in ClinVar:

ClinVar aggregate classification (germline): Conflicting classifications of pathogenicity. Review status: criteria provided, conflicting classifications (1 of 4 stars). 4 submissions from 4 submitters: Uncertain significance (2); Benign (1); Likely benign (1). Last evaluated 2026-01-24.

Conditions:
Inborn genetic diseases. Identifiers: MedGen C0950123, MeSH D030342.
Ullrich congenital muscular dystrophy 2 (UCMD2). Identifiers: Orphanet 75840, MedGen C4225314, MONDO:0014654, OMIM 616470.
Bethlem myopathy 2 (BTHLM2). Identifiers: Orphanet 536516, Orphanet 610, MedGen C4225313, MONDO:0034022, OMIM 616471.

Allele frequency attached by ClinVar (database versions not stated): gnomAD exomes 0.00008 and 0.00003; ESP Exome Variant Server 0.00017; 1000 Genomes Project 30x 0.00062; ExAC 0.00010; gnomAD 0.00031 and 0.00034; 1000 Genomes Project 0.00060; TOPMed 0.00029.
gnomAD v4.1: 97 of 1,614,068 alleles (0.006%); highest among the groups gnomAD compares: African/African-American, 0.1%; no homozygotes.

Submissions (4):

Labcorp Genetics (formerly Invitae), Labcorp
Classification: Benign for Bethlem myopathy 2; Ullrich congenital muscular dystrophy 2. Last evaluated: 2026-01-24. Review status: criteria provided, single submitter. Criteria: Invitae Variant Classification Sherloc (09022015). Collection method: clinical testing. Allele origin: germline.

Revvity Omics, Revvity
Classification: Likely benign. Last evaluated: 2025-06-03. Review status: criteria provided, single submitter. Criteria: ACMG Guidelines, 2015. Collection method: clinical testing. Allele origin: germline.

GeneDx
Classification: Uncertain significance. Last evaluated: 2024-09-25. Review status: criteria provided, single submitter. Criteria: GeneDx Variant Classification Process June 2021. Collection method: clinical testing. Allele origin: germline. Affected: yes.
Comment: In silico analysis indicates that this missense variant does not alter protein structure/function; Has not been previously published as pathogenic or benign to our knowledge

Ambry Genetics
Classification: Uncertain significance for Inborn genetic diseases. Last evaluated: 2021-07-06. Review status: criteria provided, single submitter. Criteria: Ambry Variant Classification Scheme 2023. Collection method: clinical testing. Allele origin: germline.

NM_004370.6(COL12A1):c.5635G>A (p.Ala1879Thr)

Gene: COL12A1 (collagen type XII alpha 1 chain; minus strand). Cytogenetic location: 6q13.
Variant type: single nucleotide variant.
Coding change: c.5635G>A on transcript NM_004370.6 (MANE Select); coding-DNA position 5635, G replaced by A.
Protein change: p.Ala1879Thr; replaces alanine 1879 with threonine.
Molecular consequence: missense variant.
Genome position (GRCh38, 1-based): chr6:75,133,887, C>T on the plus strand (G>A on the coding strand, the complement: COL12A1 is on the minus strand). VCF-style: chr6-75133887-C-T. GRCh37 (hg19) VCF-style: chr6-75843603-C-T.
Other names: c.2143G>A, p.Ala715Thr (NM_080645.3); short protein forms A1879T, A715T.
Identifiers: ClinVar variation 647187 (VCV000647187.15), dbSNP rs184585202, ClinGen allele CA3893070.